The following is an entry in ClinVar:

ClinVar aggregate classification (germline): Uncertain significance (1 of 4 stars; one submission).

Conditions:
Cardiovascular phenotype. Identifiers: MedGen CN230736.

Submission:

Ambry Genetics
Classification: Uncertain significance for Cardiovascular phenotype. Last evaluated: 2023-02-03. Review status: criteria provided, single submitter. Criteria: Ambry Variant Classification Scheme 2023. Collection method: clinical testing. Allele origin: germline.
Comment: The p.S480P variant (also known as c.1438T>C), located in coding exon 9 of the FLNC gene, results from a T to C substitution at nucleotide position 1438. The serine at codon 480 is replaced by proline, an amino acid with similar properties. This amino acid position is conserved. In addition, the in silico prediction for this alteration is inconclusive. Since supporting evidence is limited at this time, the clinical significance of this alteration remains unclear.

NM_001458.5(FLNC):c.1438T>C (p.Ser480Pro)

Gene: FLNC (filamin C; plus strand). Cytogenetic location: 7q32.1.
Variant type: single nucleotide variant.
Coding change: c.1438T>C on transcript NM_001458.5 (MANE Select); coding-DNA position 1438, T replaced by C.
Protein change: p.Ser480Pro; replaces serine 480 with proline.
Molecular consequence: missense variant.
Genome position (GRCh38, 1-based): chr7:128,840,049, T>C. VCF-style: chr7-128840049-T-C. GRCh37 (hg19) VCF-style: chr7-128480103-T-C.
Other names: c.1438T>C, p.Ser480Pro (NM_001127487.2); short protein forms S480P.
Identifiers: ClinVar variation 2450901 (VCV002450901.2), dbSNP rs2536624651, ClinGen allele CA369225496.